The following is an entry in ClinVar:

NM_032383.5(HPS3):c.1199C>T (p.Ala400Val)

Gene: HPS3 (HPS3 biogenesis of lysosomal organelles complex 2 subunit 1; plus strand). Cytogenetic location: 3q24.
Variant type: single nucleotide variant.
Coding change: c.1199C>T on transcript NM_032383.5 (MANE Select); coding-DNA position 1199, C replaced by T.
Protein change: p.Ala400Val; replaces alanine 400 with valine.
Molecular consequence: missense variant.
Genome position (GRCh38, 1-based): chr3:149,150,634, C>T. VCF-style: chr3-149150634-C-T. GRCh37 (hg19) VCF-style: chr3-148868421-C-T.
Other names: c.704C>T, p.Ala235Val (NM_001308258.2); short protein forms A400V, A235V.
Identifiers: ClinVar variation 1478796 (VCV001478796.3), dbSNP rs138874465, ClinGen allele CA2660029.

ClinVar aggregate classification (germline): Uncertain significance (1 of 4 stars; one submission).

Allele frequency attached by ClinVar (database versions not stated): gnomAD 0.00001; gnomAD exomes 0.00001; ExAC 0.00002; ESP Exome Variant Server 0.00008; TOPMed below 0.00001.
gnomAD v4.1: 10 of 1,614,016 alleles (0.00062%); highest among the groups gnomAD compares: Admixed American, 0.0017%; no homozygotes.

Submission:

Labcorp Genetics (formerly Invitae), Labcorp
Classification: Uncertain significance. Last evaluated: 2021-10-05. Review status: criteria provided, single submitter. Criteria: Invitae Variant Classification Sherloc (09022015). Collection method: clinical testing. Allele origin: germline.
Comment: This sequence change replaces alanine with valine at codon 400 of the HPS3 protein (p.Ala400Val). The alanine residue is moderately conserved and there is a small physicochemical difference between alanine and valine. This variant is present in population databases (rs138874465, ExAC 0.01%). This variant has not been reported in the literature in individuals affected with HPS3-related conditions. Algorithms developed to predict the effect of missense changes on protein structure and function (SIFT, PolyPhen-2, Align-GVGD) all suggest that this variant is likely to be tolerated. In summary, the available evidence is currently insufficient to determine the role of this variant in disease. Therefore, it has been classified as a Variant of Uncertain Significance.